The following is an entry in ClinVar:

NM_000152.5(GAA):c.1925T>A (p.Val642Asp)

Gene: GAA (alpha glucosidase; plus strand). Cytogenetic location: 17q25.3.
Variant type: single nucleotide variant.
Coding change: c.1925T>A on transcript NM_000152.5 (MANE Select); coding-DNA position 1925, T replaced by A.
Protein change: p.Val642Asp; replaces valine 642 with aspartic acid.
Molecular consequence: missense variant.
Genome position (GRCh38, 1-based): chr17:80,112,912, T>A. VCF-style: chr17-80112912-T-A. GRCh37 (hg19) VCF-style: chr17-78086711-T-A.
Other names: c.1925T>A, p.Val642Asp (NM_001079803.3, NM_001079804.3, NM_001406741.1 and 1 more transcripts); short protein forms V642D.
Identifiers: ClinVar variation 4876296 (VCV004876296.1).
Genomic context (GRCh38, chr17:80,112,912, plus strand): 5'-ACCAGCCTGACTCTGCCCTCCCAGAAATCCTGCAGTTTAACCTGCTGGGGGTGCCTCTGG[T>A]CGGGGCCGACGTCTGCGGCTTCCTGGGCAACACCTCAGAGGAGCTGTGTGTGCGCTGGAC-3'
Protein context (NP_000143.2, residues 632-652): LQFNLLGVPL[Val642Asp]GADVCGFLGN

ClinVar aggregate classification (germline): Uncertain significance (1 of 4 stars; one submission).

Conditions:
Glycogen storage disease, type II (IOPD). Also called: Pompe Disease; CARDIOMEGALIA GLYCOGENICA DIFFUSA; GLYCOGENOSIS, GENERALIZED, CARDIAC FORM; GSD II; POMPE DISEASE, INFANTILE-ONSET; GLYCOGEN STORAGE DISEASE II, INFANTILE-ONSET. Identifiers: Orphanet 365, MedGen C0017921, MONDO:0009290, OMIM 232300.

Submission:

Genomenon, Inc
Classification: Uncertain significance for Glycogen storage disease, type II. Last evaluated: 2026-07-01. Review status: criteria provided, single submitter. Criteria: Genomenon Sequence Variant Interpretation Standards - Updated. Collection method: curation. Allele origin: germline. Affected: no.
Comment: GAA p.Val642Asp (c.1925T>A) is a missense variant that changes the amino acid at codon 642 from Valine to Aspartic acid. This variant has been reported in the published literature (PMID:23465405;30281819;33560568;33073027). It is absent or not present at a significant frequency in gnomAD. In silico models predict that this variant is possibly or probably damaging. In conclusion, we classify GAA p.Val642Asp (c.1925T>A) as a variant of uncertain significance.

Literature cited by the submitters: PubMed 23465405; PubMed 30281819; PubMed 33560568; PubMed 33073027.